The following is an entry in ClinVar:

NM_017849.4(TMEM127):c.471G>A (p.Gln157=)

Gene: TMEM127 (transmembrane protein 127; minus strand). Cytogenetic location: 2q11.2.
Variant type: single nucleotide variant.
Coding change: c.471G>A on transcript NM_017849.4 (MANE Select); coding-DNA position 471, G replaced by A.
Protein change: p.Gln157=; no amino-acid change (glutamine 157 retained).
Molecular consequence: synonymous variant.
Genome position (GRCh38, 1-based): chr2:96,254,054, C>T on the plus strand (G>A on the coding strand, the complement: TMEM127 is on the minus strand). VCF-style: chr2-96254054-C-T. GRCh37 (hg19) VCF-style: chr2-96919792-C-T.
Other names: c.471G>A, p.Gln157= (NM_001193304.3); c.219G>A, p.Gln73= (NM_001407282.1, NM_001407283.1).
Identifiers: ClinVar variation 3807752 (VCV003807752.1).

ClinVar aggregate classification (germline): Uncertain significance (1 of 4 stars; one submission).

Conditions:
Hereditary cancer-predisposing syndrome. Also called: Neoplastic Syndromes, Hereditary; Hereditary Cancer Syndrome; Tumor predisposition; Hereditary neoplastic syndrome. Identifiers: Orphanet 140162, MedGen C0027672, MeSH D009386, MONDO:0015356.

Submission:

Ambry Genetics
Classification: Uncertain significance for Hereditary cancer-predisposing syndrome. Last evaluated: 2025-03-11. Review status: criteria provided, single submitter. Criteria: Ambry Variant Classification Scheme 2023. Collection method: clinical testing. Allele origin: germline.
Comment: The c.471G>A variant (also known as p.Q157Q), located in coding exon 3 of the TMEM127 gene, results from a G to A substitution at nucleotide position 471. This nucleotide substitution does not change the glutamine at codon 157. This nucleotide position is well conserved in available vertebrate species. In silico splice site analysis for this alteration is inconclusive. Based on the available evidence, the clinical significance of this variant remains unclear.